The following is an entry in ClinVar:

ClinVar aggregate classification (germline): Uncertain significance. Review status: criteria provided, multiple submitters, no conflicts (2 of 4 stars). 4 submissions from 4 submitters: Uncertain significance (4). Last evaluated 2025-12-01.

Conditions:
Emery-Dreifuss muscular dystrophy 5, autosomal dominant (EDMD5). Also called: EMERY-DREIFUSS MUSCULAR DYSTROPHY 5. Identifiers: Orphanet 261, MedGen C2751805, MONDO:0013072, OMIM 612999.

Allele frequency attached by ClinVar (database versions not stated): ExAC 0.00002; gnomAD exomes 0.00002 and 0.00006; gnomAD 0.00003 and 0.00004; TOPMed 0.00003.
gnomAD v4.1: 96 of 1,613,868 alleles (0.0059%); highest among the groups gnomAD compares: Middle Eastern, 0.016%; no homozygotes.

Submissions (4):

Labcorp Genetics (formerly Invitae), Labcorp
Classification: Uncertain significance for Emery-Dreifuss muscular dystrophy 5, autosomal dominant. Last evaluated: 2025-12-01. Review status: criteria provided, single submitter. Criteria: Invitae Variant Classification Sherloc (09022015). Collection method: clinical testing. Allele origin: germline.
Comment: This sequence change replaces alanine, which is neutral and non-polar, with threonine, which is neutral and polar, at codon 3889 of the SYNE2 protein (p.Ala3889Thr). This variant is present in population databases (rs759802358, gnomAD 0.005%). This variant has not been reported in the literature in individuals affected with SYNE2-related conditions. ClinVar contains an entry for this variant (Variation ID: 1461180). An algorithm developed to predict the effect of missense changes on protein structure and function (PolyPhen-2) suggests that this variant is likely to be disruptive. In summary, the available evidence is currently insufficient to determine the role of this variant in disease. Therefore, it has been classified as a Variant of Uncertain Significance.

HudsonAlpha Institute for Biotechnology
Classification: Uncertain significance for Emery-Dreifuss muscular dystrophy 5, autosomal dominant. Last evaluated: 2024-09-25. Review status: criteria provided, single submitter. Criteria: ACMG Guidelines, 2015. Collection method: research. Allele origin: unknown. Affected: yes. Observed: 1 variant allele. Study: AGHI-WGS-HudsonAlpha.

Women's Health and Genetics/Laboratory Corporation of America, LabCorp
Classification: Uncertain significance. Last evaluated: 2023-09-29. Review status: criteria provided, single submitter. Criteria: LabCorp Variant Classification Summary - May 2015. Collection method: clinical testing. Allele origin: germline.
Comment: Variant summary: SYNE2 c.11665G>A (p.Ala3889Thr) results in a non-conservative amino acid change in the encoded protein sequence. Three of five in-silico tools predict a benign effect of the variant on protein function. The variant allele was found at a frequency of 2e-05 in 250536 control chromosomes (gnomAD). The available data on variant occurrences in the general population are insufficient to allow any conclusion about variant significance. To our knowledge, no occurrence of c.11665G>A in individuals affected with Emery-Dreifuss Muscular Dystrophy 5, Autosomal Dominant and no experimental evidence demonstrating its impact on protein function have been reported. Two submitters have cited clinical-significance assessments for this variant to ClinVar after 2014. All submitters classified the variant as uncertain significance. Based on the evidence outlined above, the variant was classified as uncertain significance.

Revvity Omics, Revvity
Classification: Uncertain significance for Emery-Dreifuss muscular dystrophy 5, autosomal dominant. Last evaluated: 2019-03-06. Review status: criteria provided, single submitter. Criteria: ACMG Guidelines, 2015. Collection method: clinical testing. Allele origin: germline.

NM_182914.3(SYNE2):c.11665G>A (p.Ala3889Thr)

Gene: SYNE2 (spectrin repeat containing nuclear envelope protein 2; plus strand). Cytogenetic location: 14q23.2.
Variant type: single nucleotide variant.
Coding change: c.11665G>A on transcript NM_182914.3 (MANE Select); coding-DNA position 11665, G replaced by A.
Protein change: p.Ala3889Thr; replaces alanine 3889 with threonine.
Molecular consequence: missense variant.
Genome position (GRCh38, 1-based): chr14:64,087,851, G>A. VCF-style: chr14-64087851-G-A. GRCh37 (hg19) VCF-style: chr14-64554569-G-A.
Other names: c.11665G>A (NM_182914.2); c.11665G>A, p.Ala3889Thr (NM_015180.6); short protein forms A3889T.
Identifiers: ClinVar variation 1461180 (VCV001461180.12), dbSNP rs759802358, ClinGen allele CA7221863.